The following is an entry in ClinVar:

NM_001134363.3(RBM20):c.514dup (p.Ser172fs)

Gene: RBM20 (RNA binding motif protein 20; plus strand). Cytogenetic location: 10q25.2.
Variant type: Duplication.
Coding change: c.514dup on transcript NM_001134363.3 (MANE Select); coding-DNA position 514, one base duplicated (T; older notation c.514dupT).
Protein change: p.Ser172fs; shifts the reading frame from serine 172.
Molecular consequence: frameshift variant.
Genome position (GRCh38, 1-based): chr10:110,781,123, T duplicated; the last of 4 consecutive T bases (chr10:110,781,120-110,781,123); duplicating any one gives the same sequence. VCF-style (leftmost placement, unchanged base first): chr10-110781119-C-CT. GRCh37 (hg19) VCF-style: chr10-112540877-C-CT.
Other names: short protein forms S172fs.
Identifiers: ClinVar variation 1990792 (VCV001990792.4), dbSNP rs2493410346, ClinGen allele CA912966494.
Genomic context (GRCh38, chr10:110,781,119, plus strand): 5'-TGGGGTTCCCCAACATGCTGCAGCCATACCCAGTACCCGGTTTCCCTCTAATGCAATTGC[C>CT]TTTTCACCCCCCAGCCAGACACGAGGCCCCGGACCCTCCATGAACCTTCCCAACCAGCCA-3'

ClinVar aggregate classification (germline): Pathogenic (1 of 4 stars; one submission).

Conditions:
Dilated cardiomyopathy 1DD (CMD1DD). Identifiers: Orphanet 154, MedGen C2750995, MONDO:0013168, OMIM 613172.

Submission:

Labcorp Genetics (formerly Invitae), Labcorp
Classification: Pathogenic for Dilated cardiomyopathy 1DD. Last evaluated: 2025-12-08. Review status: criteria provided, single submitter. Criteria: Invitae Variant Classification Sherloc (09022015). Collection method: clinical testing. Allele origin: germline.
Comment: This sequence change creates a premature translational stop signal (p.Ser172Phefs*59) in the RBM20 gene. It is expected to result in an absent or disrupted protein product. Loss-of-function variants in RBM20 are known to be pathogenic (PMID: 20590677, 22004663, 38288598, 38510713, 40339755). This variant is not present in population databases (gnomAD no frequency). This variant has not been reported in the literature in individuals affected with RBM20-related conditions. ClinVar contains an entry for this variant (Variation ID: 1990792). For these reasons, this variant has been classified as Pathogenic.

Literature cited by the submitters: PubMed 20590677; PubMed 22004663; PubMed 38288598; PubMed 38510713; PubMed 40339755.